The following is an entry in ClinVar:

ClinVar aggregate classification (germline): Uncertain significance. Review status: criteria provided, single submitter (1 of 4 stars). 2 submissions from 2 submitters: Uncertain significance (1). 1 of the submissions does not count toward it. Last evaluated 2026-05-20.

Conditions:
Classic homocystinuria. Also called: HOMOCYSTINURIA WITH OR WITHOUT RESPONSE TO PYRIDOXINE; Homocystinuria due to CBS deficiency; Cystathionine beta-synthase deficiency; CBS deficiency; Homocystinuria due to Cystathionine Beta-Synthase Deficiency. Identifiers: Orphanet 394, MedGen C0751202, MONDO:0009352, OMIM 236200.

Submissions (2):

Women's Health and Genetics/Laboratory Corporation of America, LabCorp
Classification: Uncertain significance. Last evaluated: 2026-05-20. Review status: criteria provided, single submitter. Criteria: LabCorp Variant Classification Summary - May 2015. Collection method: clinical testing. Allele origin: germline.
Comment: Variant summary: CBS c.1265C>A (p.Pro422Gln) results in a non-conservative amino acid change in the encoded protein sequence. Algorithms developed to predict the effect of missense changes on protein structure and function all suggest that this variant is likely to be disruptive. The variant was absent in 195168 control chromosomes. The available data on variant occurrences in the general population are insufficient to allow any conclusion about variant significance. To our knowledge, no occurrence of c.1265C>A in individuals affected with CBS-related conditions and no experimental evidence demonstrating its impact on protein function have been reported. ClinVar contains an entry for this variant (Variation ID: 4063996). Based on the evidence outlined above, the variant was classified as uncertain significance.

Natera, Inc.
Classification: Uncertain significance for Homocystinuria due to cystathionine beta-synthase deficiency. Last evaluated: 2025-03-28. Review status: no assertion criteria provided. Collection method: clinical testing. Allele origin: germline. Not counted in ClinVar's aggregate classification.

NM_000071.3(CBS):c.1265C>A (p.Pro422Gln)

Gene: CBS (cystathionine beta-synthase; minus strand). Cytogenetic location: 21q22.3.
Variant type: single nucleotide variant.
Coding change: c.1265C>A on transcript NM_000071.3 (MANE Select); coding-DNA position 1265, C replaced by A.
Protein change: p.Pro422Gln; replaces proline 422 with glutamine.
Molecular consequence: missense variant.
Genome position (GRCh38, 1-based): chr21:43,058,927, G>T on the plus strand (C>A on the coding strand, the complement: CBS is on the minus strand). VCF-style: chr21-43058927-G-T. GRCh37 (hg19) VCF-style: chr21-44479037-G-T.
Other names: c.1265C>A, p.Pro422Gln (NM_001178008.3, NM_001178009.3, NM_001320298.2); c.950C>A, p.Pro317Gln (NM_001321072.1); short protein forms P317Q, P422Q.
Identifiers: ClinVar variation 4063996 (VCV004063996.2).